The following is an entry in ClinVar:

ClinVar aggregate classification (germline): Uncertain significance (1 of 4 stars; one submission).

gnomAD v4.1: 1 of 1,614,064 alleles (0.000062%); no homozygotes.

Submission:

Ambry Genetics
Classification: Uncertain significance. Last evaluated: 2024-05-11. Review status: criteria provided, single submitter. Criteria: Ambry Variant Classification Scheme 2023. Collection method: clinical testing. Allele origin: germline.
Comment: The p.C212F variant (also known as c.635G>T), located in coding exon 1 of the MLH3 gene, results from a G to T substitution at nucleotide position 635. The cysteine at codon 212 is replaced by phenylalanine, an amino acid with highly dissimilar properties. This amino acid position is conserved. In addition, the in silico prediction for this alteration is inconclusive. Since supporting evidence is limited at this time, the clinical significance of this alteration remains unclear.

NM_001040108.2(MLH3):c.635G>T (p.Cys212Phe)

Gene: MLH3 (mutL homolog 3; minus strand). Cytogenetic location: 14q24.3.
Variant type: single nucleotide variant.
Coding change: c.635G>T on transcript NM_001040108.2 (MANE Select); coding-DNA position 635, G replaced by T.
Protein change: p.Cys212Phe; replaces cysteine 212 with phenylalanine.
Molecular consequence: missense variant.
Genome position (GRCh38, 1-based): chr14:75,049,021, C>A on the plus strand (G>T on the coding strand, the complement: MLH3 is on the minus strand). VCF-style: chr14-75049021-C-A. GRCh37 (hg19) VCF-style: chr14-75515724-C-A.
Other names: c.635G>T, p.Cys212Phe (NM_014381.3); short protein forms C212F.
Identifiers: ClinVar variation 1753051 (VCV001753051.3), dbSNP rs1892472524, ClinGen allele CA390449732.